The following is an entry in ClinVar:

NM_001243279.3(ACSF3):c.1098del (p.Pro367_Leu368insTer)

Genes: ACSF3 (acyl-CoA synthetase family member 3; plus strand), LOC125177393 (P300/CBP strongly-dependent group 1 enhancer GRCh37_chr16:89180375-89181574; plus strand). Cytogenetic location: 16q24.3.
Variant type: Deletion.
Coding change: c.1098del on transcript NM_001243279.3 (MANE Select); coding-DNA position 1098, one base deleted (G; older notation c.1098delG).
Protein change: p.Pro367_Leu368insTer.
Molecular consequence: frameshift variant. On other transcripts: non-coding transcript variant (2).
Genome position (GRCh38, 1-based): chr16:89,114,459, G deleted; the last of 3 consecutive G bases (chr16:89,114,457-89,114,459); deleting any one gives the same sequence. VCF-style (leftmost placement, unchanged base first): chr16-89114456-CG-C. GRCh37 (hg19) VCF-style: chr16-89180864-CG-C.
Other names: c.1098del, p.Pro367_Leu368insTer (NM_001127214.4, NM_174917.5); c.303del, p.Pro102_Leu103insTer (NM_001284316.2).
Identifiers: ClinVar variation 4816966 (VCV004816966.1).

ClinVar aggregate classification (germline): Likely pathogenic (1 of 4 stars; one submission).

Conditions:
Combined malonic and methylmalonic acidemia. Identifiers: Orphanet 289504, MedGen C3280314, MONDO:0013661, OMIM 614265.

Submission:

Natera, Inc.
Classification: Likely pathogenic for Combined malonic and methylmalonic aciduria. Last evaluated: 2024-09-26. Review status: criteria provided, single submitter. Criteria: Natera Variant Classification Schema (03/2026). Collection method: clinical testing. Allele origin: germline.
Comment: The c.1098del variant in ACSF3 is a frameshift variant predicted to shift the reading frame and introduce a stop codon. This variant is expected to result in nonsense mediated decay, truncation, or a dysfunctional protein product. This variant is rare in the general population with a frequency below the threshold expected for the associated phenotype(s). Given the available evidence, this variant is classified as Likely Pathogenic.